The following is an entry in ClinVar:

NM_000834.5(GRIN2B):c.282C>A (p.Ile94=)

Gene: GRIN2B (glutamate ionotropic receptor NMDA type subunit 2B; minus strand). Cytogenetic location: 12p13.1.
Variant type: single nucleotide variant.
Coding change: c.282C>A on transcript NM_000834.5 (MANE Select); coding-DNA position 282, C replaced by A.
Protein change: p.Ile94=; no amino-acid change (isoleucine 94 retained).
Molecular consequence: synonymous variant.
Genome position (GRCh38, 1-based): chr12:13,865,927, G>T on the plus strand (C>A on the coding strand, the complement: GRIN2B is on the minus strand). VCF-style: chr12-13865927-G-T. GRCh37 (hg19) VCF-style: chr12-14018861-G-T.
Identifiers: ClinVar variation 1110809 (VCV001110809.36), dbSNP rs147132902, ClinGen allele CA6461437.

ClinVar aggregate classification (germline): Likely benign. Review status: criteria provided, multiple submitters, no conflicts (2 of 4 stars). 4 submissions from 4 submitters: Likely benign (4). Last evaluated 2025-10-07.

Conditions:
Intellectual developmental disorder, autosomal dominant 6, with or without seizures. Also called: Intellectual disability, autosomal dominant 6; GRIN2B-related developmental delay, intellectual disability and autism spectrum disorder. Identifiers: Orphanet 589547, MedGen C3151411, MONDO:0013509, OMIM 613970.
Developmental and epileptic encephalopathy, 27 (DEE27). Also called: GRIN2B-Related Neurodevelopmental Disorder; Epileptic encephalopathy, early infantile, 27. Identifiers: Orphanet 3451, MedGen C4015316, MONDO:0014505, OMIM 616139.
Inborn genetic diseases. Identifiers: MedGen C0950123, MeSH D030342.
GRIN2B-related disorder. Also called: GRIN2B-related condition.

Allele frequency attached by ClinVar (database versions not stated): ESP Exome Variant Server 0.00008; gnomAD 0.00004; TOPMed 0.00003; ExAC 0.00009; gnomAD exomes 0.00004 and 0.00006.
gnomAD v4.1: 97 of 1,613,950 alleles (0.006%); highest among the groups gnomAD compares: Non-Finnish European, 0.0081%; no homozygotes.

Submissions (4):

Labcorp Genetics (formerly Invitae), Labcorp
Classification: Likely benign for Developmental and epileptic encephalopathy, 27; Intellectual developmental disorder, autosomal dominant 6, with or without seizures. Last evaluated: 2025-10-07. Review status: criteria provided, single submitter. Criteria: Invitae Variant Classification Sherloc (09022015). Collection method: clinical testing. Allele origin: germline.

PreventionGenetics, part of Exact Sciences
Classification: Likely benign for GRIN2B-related condition. Last evaluated: 2024-11-18. Review status: criteria provided, single submitter. Criteria: ACMG Guidelines, 2015. Collection method: clinical testing. Allele origin: germline.
Comment: This variant is classified as likely benign based on ACMG/AMP sequence variant interpretation guidelines (Richards et al. 2015 PMID: 25741868, with internal and published modifications).

CeGaT Center for Human Genetics Tuebingen
Classification: Likely benign. Last evaluated: 2024-05-01. Review status: criteria provided, single submitter. Criteria: CeGaT Center For Human Genetics Tuebingen Variant Classification Criteria Version 2. Collection method: clinical testing. Allele origin: germline. Affected: yes. Observed: 2 variant alleles.
Comment: GRIN2B: BP4, BP7

Ambry Genetics
Classification: Likely benign for Inborn genetic diseases. Last evaluated: 2017-09-11. Review status: criteria provided, single submitter. Criteria: Ambry Variant Classification Scheme 2023. Collection method: clinical testing. Allele origin: germline.